The following is an entry in ClinVar:

NM_000264.5(PTCH1):c.2860_2869delinsTAGT (p.Asp954_Pro957delinsTer)

Gene: PTCH1 (patched 1; minus strand). Cytogenetic location: 9q22.32.
Variant type: Indel.
Coding change: c.2860_2869delinsTAGT on transcript NM_000264.5 (MANE Select); coding-DNA positions 2860 to 2869, GACTACATGC replaced by TAGT.
Protein change: p.Asp954_Pro957delinsTer.
Molecular consequence: nonsense. On other transcripts: non-coding transcript variant (1).
Genome position (GRCh38, 1-based): chr9:95,459,618-95,459,627, GCATGTAGTC replaced by ACTA on the plus strand (GACTACATGC replaced by TAGT on the coding strand, the reverse complement: PTCH1 is on the minus strand). VCF-style: chr9-95459618-GCATGTAGTC-ACTA. GRCh37 (hg19) VCF-style: chr9-98221900-GCATGTAGTC-ACTA.
Other names: c.2662_2671delinsTAGT, p.Asp888_Pro891delinsTer (NM_001083602.3); c.2857_2866delinsTAGT, p.Asp953_Pro956delinsTer (NM_001083603.3); c.2407_2416delinsTAGT, p.Asp803_Pro806delinsTer (NM_001083604.3, NM_001083605.3, NM_001083606.3 and 1 more transcripts); c.2704_2713delinsTAGT, p.Asp902_Pro905delinsTer (NM_001354918.2).
Identifiers: ClinVar variation 419615 (VCV000419615.1), dbSNP rs1064793991, ClinGen allele CA16618902.
Genomic context (GRCh38, chr9:95,459,618, plus strand): 5'-ACCTCTGTAAGTTCCCAGACCTCCCGATAAAACGCTACTTACTTCTCAGCCTTGTTTCAG[GCATGTAGTC>ACTA]GGCTTTGTCGTGGACCCATTCTGGTCGGTGTGGCCGGATGTTGGCCTGGGAGGCAGCATA-3'

ClinVar aggregate classification (germline): Pathogenic (1 of 4 stars; one submission).

Submission:

GeneDx
Classification: Pathogenic. Last evaluated: 2015-08-10. Review status: criteria provided, single submitter. Criteria: GeneDx Variant Classification (06012015). Collection method: clinical testing. Allele origin: germline. Affected: yes.
Comment: The c.2860_2869del10insTAGT variant in the PTCH1 gene creates a premature Stop codon at positionAspartic acid 954, denoted p.Asp954Ter. This variant is predicted to cause loss of normal proteinfunction either through protein truncation or nonsense-mediated mRNA decay. Thec.2860_2869del10insTAGT variant was not observed in approximately 6,500 individuals of European andAfrican American ancestry in the NHLBI Exome Sequencing Project, indicating it is not a common benignvariant in these populations. Although this variant has not been previously reported to our knowledge, we consider it to be pathogenic.